The following is an entry in ClinVar:

ClinVar aggregate classification (germline): Likely benign (0 of 4 stars; one submission).

Conditions:
SLC45A1-related disorder. Also called: SLC45A1-related condition.

Allele frequency attached by ClinVar (database versions not stated): gnomAD exomes 0.00008; 1000 Genomes Project 30x 0.00016; ExAC 0.00019; 1000 Genomes Project 0.00020; gnomAD 0.00036; TOPMed 0.00047; ESP Exome Variant Server 0.00054.
gnomAD v4.1: 181 of 1,612,260 alleles (0.011%); highest among the groups gnomAD compares: African/African-American, 0.12%; no homozygotes.

Submission:

PreventionGenetics, part of Exact Sciences
Classification: Likely benign for SLC45A1-related condition. Last evaluated: 2020-01-13. Review status: no assertion criteria provided. Collection method: clinical testing. Allele origin: germline.
Comment: This variant is classified as likely benign based on ACMG/AMP sequence variant interpretation guidelines (Richards et al. 2015 PMID: 25741868, with internal and published modifications).

NM_001080397.3(SLC45A1):c.9C>T (p.Pro3=)

Gene: SLC45A1 (solute carrier family 45 member 1; plus strand). Cytogenetic location: 1p36.23.
Variant type: single nucleotide variant.
Coding change: c.9C>T on transcript NM_001080397.3 (MANE Select); coding-DNA position 9, C replaced by T.
Protein change: p.Pro3=; no amino-acid change (proline 3 retained).
Molecular consequence: synonymous variant. On other transcripts: intron variant (2).
Genome position (GRCh38, 1-based): chr1:8,324,338, C>T. VCF-style: chr1-8324338-C-T. GRCh37 (hg19) VCF-style: chr1-8384398-C-T.
Other names: c.9C>T, p.Pro3= (NM_001379614.1, NM_001379615.1, NM_001379616.1); c.-116-1480C>T (NM_001379617.1, NM_001379618.1).
Identifiers: ClinVar variation 3051263 (VCV003051263.2), dbSNP rs138622022, ClinGen allele CA569985.